The following is an entry in ClinVar:

NM_000719.7(CACNA1C):c.5572A>G (p.Met1858Val)

Genes: CACNA1C (calcium voltage-gated channel subunit alpha1 C; plus strand), CACNA1C-AS1 (CACNA1C antisense RNA 1; minus strand). Cytogenetic location: 12p13.33.
Variant type: single nucleotide variant.
Coding change: c.5572A>G on transcript NM_000719.7 (MANE Select); coding-DNA position 5572, A replaced by G.
Protein change: p.Met1858Val; replaces methionine 1858 with valine.
Molecular consequence: missense variant.
Genome position (GRCh38, 1-based): chr12:2,682,677, A>G. VCF-style: chr12-2682677-A-G. GRCh37 (hg19) VCF-style: chr12-2791843-A-G.
Other names: c.5716A>G, p.Met1906Val (NM_001129827.2); c.5695A>G, p.Met1899Val (NM_001129829.2); c.5677A>G, p.Met1893Val (NM_001129830.3, NM_001167624.3); c.5656A>G, p.Met1886Val (NM_001129831.2); c.5632A>G, p.Met1878Val (NM_001129832.2); c.5629A>G, p.Met1877Val (NM_001129833.2, NM_001129834.2, NM_001129835.2); c.5623A>G, p.Met1875Val (NM_001129836.2); c.5596A>G, p.Met1866Val (NM_001129837.2, NM_001129838.2); and 6 more; short protein forms M1855V, M1864V, M1877V, M1878V, M1847V, M1893V, M1906V, M1858V.
Identifiers: ClinVar variation 3262713 (VCV003262713.1).
Genomic context (GRCh38, chr12:2,682,677, plus strand): 5'-GAAGTGAAGATGAACCATGACACGGAGGCCTGCAGTGAGCCCAGCCTGCTCTCCACAGAG[A>G]TGTGAGCTCTGCTGCCCTCTGCTGAGGCTGACCCAAGTGTGGGAACAAATGTGGGGAGGC-3'
Protein context (NP_000710.5, residues 1848-1868): CSEPSLLSTE[Met1858Val]LSYQDDENRQ

ClinVar aggregate classification (germline): Uncertain significance (1 of 4 stars; one submission).

Conditions:
Cardiovascular phenotype. Identifiers: MedGen CN230736.

Submission:

Ambry Genetics
Classification: Uncertain significance for Cardiovascular phenotype. Last evaluated: 2024-03-22. Review status: criteria provided, single submitter. Criteria: Ambry Variant Classification Scheme 2023. Collection method: clinical testing. Allele origin: germline.
Comment: The p.M1858V variant (also known as c.5572A>G), located in coding exon 43 of the CACNA1C gene, results from an A to G substitution at nucleotide position 5572. The methionine at codon 1858 is replaced by valine, an amino acid with highly similar properties. This amino acid position is well conserved in available vertebrate species. In addition, the in silico prediction for this alteration is inconclusive. Based on the available evidence, the clinical significance of this alteration remains unclear.